The following is an entry in ClinVar:

ClinVar aggregate classification (germline): Uncertain significance. Review status: criteria provided, multiple submitters, no conflicts (2 of 4 stars). 3 submissions from 3 submitters: Uncertain significance (3). Last evaluated 2026-01-18.

Conditions:
Inborn genetic diseases. Identifiers: MedGen C0950123, MeSH D030342.
Developmental and epileptic encephalopathy, 14 (DEE14). Also called: Early infantile epileptic encephalopathy 14. Identifiers: Orphanet 293181, MedGen C3554195, MONDO:0013989, OMIM 614959.
Autosomal dominant nocturnal frontal lobe epilepsy 5. Also called: Epilepsy, nocturnal frontal lobe, 5; KCNT1-Related Epilepsy; CILIARY DYSKINESIA, PRIMARY, 28, WITHOUT SITUS INVERSUS; CILIARY DYSKINESIA, PRIMARY, 28, WITH SITUS INVERSUS. Identifiers: Orphanet 98784, MedGen C3554306, MONDO:0014002, OMIM 615005.

Allele frequency attached by ClinVar (database versions not stated): gnomAD exomes below 0.00001 and 0.00001; ExAC 0.00001; gnomAD 0.00001; TOPMed 0.00001.
gnomAD v4.1: 10 of 1,613,934 alleles (0.00062%); highest among the groups gnomAD compares: South Asian, 0.0011%; no homozygotes.

Submissions (3):

Labcorp Genetics (formerly Invitae), Labcorp
Classification: Uncertain significance for Autosomal dominant nocturnal frontal lobe epilepsy 5; Developmental and epileptic encephalopathy, 14. Last evaluated: 2026-01-18. Review status: criteria provided, single submitter. Criteria: Invitae Variant Classification Sherloc (09022015). Collection method: clinical testing. Allele origin: germline.
Comment: This sequence change replaces valine, which is neutral and non-polar, with methionine, which is neutral and non-polar, at codon 819 of the KCNT1 protein (p.Val819Met). This variant is present in population databases (rs771284979, gnomAD 0.01%). This variant has not been reported in the literature in individuals affected with KCNT1-related conditions. ClinVar contains an entry for this variant (Variation ID: 1036562). Invitae Evidence Modeling of protein sequence and biophysical properties (such as structural, functional, and spatial information, amino acid conservation, physicochemical variation, residue mobility, and thermodynamic stability) indicates that this missense variant is not expected to disrupt KCNT1 protein function with a negative predictive value of 80%. In summary, the available evidence is currently insufficient to determine the role of this variant in disease. Therefore, it has been classified as a Variant of Uncertain Significance.

Ambry Genetics
Classification: Uncertain significance for Inborn genetic diseases. Last evaluated: 2025-08-08. Review status: criteria provided, single submitter. Criteria: Ambry Variant Classification Scheme 2023. Collection method: clinical testing. Allele origin: germline.

Blueprint Genetics
Classification: Uncertain significance. Last evaluated: 2018-10-12. Review status: criteria provided, single submitter. Criteria: ACMG Guidelines, 2015. Collection method: clinical testing. Allele origin: germline.

NM_020822.3(KCNT1):c.2455G>A (p.Val819Met)

Gene: KCNT1 (potassium sodium-activated channel subfamily T member 1; plus strand). Cytogenetic location: 9q34.3.
Variant type: single nucleotide variant.
Coding change: c.2455G>A on transcript NM_020822.3 (MANE Select); coding-DNA position 2455, G replaced by A.
Protein change: p.Val819Met; replaces valine 819 with methionine.
Molecular consequence: missense variant.
Genome position (GRCh38, 1-based): chr9:135,777,443, G>A. VCF-style: chr9-135777443-G-A. GRCh37 (hg19) VCF-style: chr9-138669289-G-A.
Other names: c.2455G>A (NM_020822.2); c.2320G>A, p.Val774Met (NM_001272003.2); short protein forms V819M, V774M.
Identifiers: ClinVar variation 1036562 (VCV001036562.9), dbSNP rs771284979, ClinGen allele CA5327309.